The following is an entry in ClinVar:

ClinVar aggregate classification (germline): Benign. Review status: criteria provided, multiple submitters, no conflicts (2 of 4 stars). 10 submissions from 6 submitters: Benign (10). Last evaluated 2022-11-14.

Conditions:
Senior-Loken syndrome 8 (SLSN8). Identifiers: Orphanet 3156, MedGen C4225376, MONDO:0014579, OMIM 616307.
Asphyxiating thoracic dystrophy 5 (SRTD5). Also called: SHORT-RIB THORACIC DYSPLASIA 5 WITHOUT POLYDACTYLY; SHORT-RIB THORACIC DYSPLASIA 5 WITH OR WITHOUT POLYDACTYLY. Identifiers: Orphanet 474, MedGen C3280598, MONDO:0013717, OMIM 614376.
Cranioectodermal dysplasia 4 (CED4). Identifiers: Orphanet 1515, MedGen C3280616, MONDO:0013719, OMIM 614378.
Nephronophthisis 13 (NPHP13). Identifiers: Orphanet 655, MedGen C3280612, MONDO:0013718, OMIM 614377.

Allele frequency attached by ClinVar (database versions not stated): ExAC 0.01454; gnomAD 0.04698 and 0.05032; 1000 Genomes Project 0.05132; ESP Exome Variant Server 0.05201; TOPMed 0.05254; 1000 Genomes Project 30x 0.05824.
gnomAD v4.1: 14,214 of 1,613,434 alleles (0.88%); highest among the groups gnomAD compares: African/African-American, 16%; 1,024 homozygotes.

Submissions (10):

Mayo Clinic Laboratories, Mayo Clinic
Classification: Benign. Last evaluated: 2022-11-14. Review status: criteria provided, single submitter. Criteria: ACMG Guidelines, 2015. Collection method: clinical testing. Allele origin: germline. Observed: 16 variant alleles.

Genome-Nilou Lab
Classification: Benign for Cranioectodermal dysplasia 4. Last evaluated: 2021-12-05. Review status: criteria provided, single submitter. Criteria: ACMG Guidelines, 2015. Collection method: clinical testing. Allele origin: germline. Affected: no.

Genome-Nilou Lab
Classification: Benign for Nephronophthisis 13. Last evaluated: 2021-12-05. Review status: criteria provided, single submitter. Criteria: ACMG Guidelines, 2015. Collection method: clinical testing. Allele origin: germline. Affected: no.

Genome-Nilou Lab
Classification: Benign for Senior-Loken syndrome 8. Last evaluated: 2021-12-05. Review status: criteria provided, single submitter. Criteria: ACMG Guidelines, 2015. Collection method: clinical testing. Allele origin: germline. Affected: no.

Genome-Nilou Lab
Classification: Benign for Asphyxiating thoracic dystrophy 5. Last evaluated: 2021-12-05. Review status: criteria provided, single submitter. Criteria: ACMG Guidelines, 2015. Collection method: clinical testing. Allele origin: germline. Affected: no.

GeneDx
Classification: Benign. Last evaluated: 2021-05-21. Review status: criteria provided, single submitter. Criteria: GeneDx Variant Classification Process June 2021. Collection method: clinical testing. Allele origin: germline. Affected: yes.

Illumina Laboratory Services, Illumina
Classification: Benign for Asphyxiating thoracic dystrophy 5. Last evaluated: 2018-01-13. Review status: criteria provided, single submitter. Criteria: ICSL Variant Classification Criteria 13 December 2019. Collection method: clinical testing. Allele origin: germline.
Comment: This variant was observed in the ICSL laboratory as part of a predisposition screen in an ostensibly healthy population. It had not been previously curated by ICSL or reported in the Human Gene Mutation Database (HGMD: prior to June 1st, 2018), and was therefore a candidate for classification through an automated scoring system. Utilizing variant allele frequency, disease prevalence and penetrance estimates, and inheritance mode, an automated score was calculated to assess if this variant is too frequent to cause the disease. Based on the score and internal cut-off values, a variant classified as benign is not then subjected to further curation. The score for this variant resulted in a classification of benign for this disease.

Illumina Laboratory Services, Illumina
Classification: Benign for Cranioectodermal dysplasia 4. Last evaluated: 2018-01-13. Review status: criteria provided, single submitter. Criteria: ICSL Variant Classification Criteria 13 December 2019. Collection method: clinical testing. Allele origin: germline.
Comment: the same text as in the submission from Illumina Laboratory Services, Illumina above.

Breakthrough Genomics
Classification: Benign. Review status: criteria provided, single submitter. Criteria: ACMG Guidelines, 2015. Collection method: not provided. Allele origin: germline. Inheritance: Autosomal recessive inheritance. Affected: yes.

PreventionGenetics, part of Exact Sciences
Classification: Benign. Review status: criteria provided, single submitter. Criteria: ACMG Guidelines, 2015. Collection method: clinical testing. Allele origin: germline.

NM_025132.4(WDR19):c.-9A>G

Gene: WDR19 (WD repeat domain 19; plus strand). Cytogenetic location: 4p14.
Variant type: single nucleotide variant.
Coding change: c.-9A>G on transcript NM_025132.4 (MANE Select); 9 bases upstream of the start codon, A replaced by G.
Molecular consequence: 5 prime UTR variant.
Genome position (GRCh38, 1-based): chr4:39,182,549, A>G. VCF-style: chr4-39182549-A-G. GRCh37 (hg19) VCF-style: chr4-39184169-A-G.
Other names: c.-373A>G (NM_001317924.2).
Identifiers: ClinVar variation 261855 (VCV000261855.11), dbSNP rs60800612, ClinGen allele CA2891488.